The following is an entry in ClinVar:

NM_001556.3(IKBKB):c.2205+6A>C

Gene: IKBKB (inhibitor of nuclear factor kappa B kinase subunit beta; plus strand). Cytogenetic location: 8p11.21.
Variant type: single nucleotide variant.
Coding change: c.2205+6A>C on transcript NM_001556.3 (MANE Select); 6 bases into the intron after coding-DNA position 2205, A replaced by C.
Molecular consequence: intron variant.
Genome position (GRCh38, 1-based): chr8:42,329,220, A>C. VCF-style: chr8-42329220-A-C. GRCh37 (hg19) VCF-style: chr8-42186738-A-C.
Other names: c.2028+6A>C (NM_001242778.2); c.2013+6A>C (NM_001190720.3).
Identifiers: ClinVar variation 3654695 (VCV003654695.2).

ClinVar aggregate classification (germline): Uncertain significance (1 of 4 stars; one submission).

Conditions:
Severe combined immunodeficiency due to IKK2 deficiency. Also called: IMMUNODEFICIENCY 15B; Immunodeficiency 15. Identifiers: Orphanet 397787, MedGen C4747743, MONDO:0014267, OMIM 615592.

Submission:

Labcorp Genetics (formerly Invitae), Labcorp
Classification: Uncertain significance for Severe combined immunodeficiency due to IKK2 deficiency. Last evaluated: 2024-05-26. Review status: criteria provided, single submitter. Criteria: Invitae Variant Classification Sherloc (09022015). Collection method: clinical testing. Allele origin: germline.
Comment: This sequence change falls in intron 21 of the IKBKB gene. It does not directly change the encoded amino acid sequence of the IKBKB protein. It affects a nucleotide within the consensus splice site. This variant is not present in population databases (gnomAD no frequency). This variant has not been reported in the literature in individuals affected with IKBKB-related conditions. Variants that disrupt the consensus splice site are a relatively common cause of aberrant splicing (PMID: 17576681, 9536098). Algorithms developed to predict the effect of sequence changes on RNA splicing suggest that this variant is not likely to affect RNA splicing. In summary, the available evidence is currently insufficient to determine the role of this variant in disease. Therefore, it has been classified as a Variant of Uncertain Significance.

Literature cited by the submitters: PubMed 17576681; PubMed 9536098.